The following is an entry in ClinVar:

ClinVar aggregate classification (germline): Conflicting classifications of pathogenicity. Review status: criteria provided, conflicting classifications (1 of 4 stars). 2 submissions from 2 submitters: Uncertain significance (1); Likely benign (1). Last evaluated 2025-09-04.

Conditions:
Hereditary breast ovarian cancer syndrome. Also called: Hereditary breast and ovarian cancer; Hereditary breast and ovarian cancer syndrome (HBOC); BRCA1- and BRCA2-Associated Hereditary Breast and Ovarian Cancer; Hereditary breast and ovarian cancer syndrome; Hereditary breast and/or ovarian cancer syndrome; Breast and ovarian cancer. Identifiers: Orphanet 145, MedGen C0677776, MeSH D061325, MONDO:0003582. Disease mechanism: loss of function.
Hereditary cancer-predisposing syndrome. Also called: Hereditary Cancer Syndrome; Tumor predisposition; Hereditary neoplastic syndrome; Neoplastic Syndromes, Hereditary. Identifiers: Orphanet 140162, MedGen C0027672, MeSH D009386, MONDO:0015356.

Submissions (2):

Labcorp Genetics (formerly Invitae), Labcorp
Classification: Uncertain significance for Hereditary breast ovarian cancer syndrome. Last evaluated: 2025-09-04. Review status: criteria provided, single submitter. Criteria: Invitae Variant Classification Sherloc (09022015). Collection method: clinical testing. Allele origin: germline.
Comment: This sequence change replaces asparagine, which is neutral and polar, with aspartic acid, which is acidic and polar, at codon 1742 of the BRCA2 protein (p.Asn1742Asp). This variant is not present in population databases (gnomAD no frequency). This variant has not been reported in the literature in individuals affected with BRCA2-related conditions. ClinVar contains an entry for this variant (Variation ID: 3261615). Invitae Evidence Modeling of protein sequence and biophysical properties (such as structural, functional, and spatial information, amino acid conservation, physicochemical variation, residue mobility, and thermodynamic stability) indicates that this missense variant is not expected to disrupt BRCA2 protein function with a negative predictive value of 95%. In summary, the available evidence is currently insufficient to determine the role of this variant in disease. Therefore, it has been classified as a Variant of Uncertain Significance.

Ambry Genetics
Classification: Likely benign for Hereditary cancer-predisposing syndrome. Last evaluated: 2024-05-09. Review status: criteria provided, single submitter. Criteria: Ambry Variant Classification Scheme 2023. Collection method: clinical testing. Allele origin: germline.

NM_000059.4(BRCA2):c.5224A>G (p.Asn1742Asp)

Gene: BRCA2 (BRCA2 DNA repair associated; plus strand). Cytogenetic location: 13q13.1.
Variant type: single nucleotide variant.
Coding change: c.5224A>G on transcript NM_000059.4 (MANE Select); coding-DNA position 5224, A replaced by G.
Protein change: p.Asn1742Asp; replaces asparagine 1742 with aspartic acid.
Molecular consequence: missense variant. On other transcripts: non-coding transcript variant (1), intron variant (2).
Genome position (GRCh38, 1-based): chr13:32,339,579, A>G. VCF-style: chr13-32339579-A-G. GRCh37 (hg19) VCF-style: chr13-32913716-A-G.
Other names: c.5224A>G, p.Asn1742Asp (NM_001406719.1, NM_001406720.1); c.1910-4979A>G (NM_001406721.1); c.425-4979A>G (NM_001406722.1); short protein forms N1742D.
Identifiers: ClinVar variation 3261615 (VCV003261615.2).